The following is an entry in ClinVar:

NM_001135649.3(FOXI3):c.320G>T (p.Arg107Leu)

Gene: FOXI3 (forkhead box I3; minus strand). Cytogenetic location: 2p11.2.
Variant type: single nucleotide variant.
Coding change: c.320G>T on transcript NM_001135649.3 (MANE Select); coding-DNA position 320, G replaced by T.
Protein change: p.Arg107Leu; replaces arginine 107 with leucine.
Molecular consequence: missense variant.
Genome position (GRCh38, 1-based): chr2:88,452,216, C>A on the plus strand (G>T on the coding strand, the complement: FOXI3 is on the minus strand). VCF-style: chr2-88452216-C-A. GRCh37 (hg19) VCF-style: chr2-88751735-C-A.
Other names: short protein forms R107L.
Identifiers: ClinVar variation 3612367 (VCV003612367.2).

ClinVar aggregate classification (germline): Uncertain significance (1 of 4 stars; one submission).

gnomAD v4.1: 50 of 1,145,508 alleles (0.0044%); highest among the groups gnomAD compares: Non-Finnish European, 0.0049%; no homozygotes.

Submission:

Labcorp Genetics (formerly Invitae), Labcorp
Classification: Uncertain significance. Last evaluated: 2025-10-26. Review status: criteria provided, single submitter. Criteria: Invitae Variant Classification Sherloc (09022015). Collection method: clinical testing. Allele origin: germline.
Comment: This sequence change replaces arginine, which is basic and polar, with leucine, which is neutral and non-polar, at codon 107 of the FOXI3 protein (p.Arg107Leu). This variant is present in population databases (no rsID available, gnomAD 0.05%). This variant has not been reported in the literature in individuals affected with FOXI3-related conditions. ClinVar contains an entry for this variant (Variation ID: 3612367). Experimental studies and prediction algorithms are not available or were not evaluated, and the functional significance of this variant is currently unknown. In summary, the available evidence is currently insufficient to determine the role of this variant in disease. Therefore, it has been classified as a Variant of Uncertain Significance.